The following is an entry in ClinVar:

NM_000143.4(FH):c.520C>T (p.Pro174Ser)

Gene: FH (fumarate hydratase; minus strand). Cytogenetic location: 1q43.
Variant type: single nucleotide variant.
Coding change: c.520C>T on transcript NM_000143.4 (MANE Select); coding-DNA position 520, C replaced by T.
Protein change: p.Pro174Ser; replaces proline 174 with serine.
Molecular consequence: missense variant.
Genome position (GRCh38, 1-based): chr1:241,512,002, G>A on the plus strand (C>T on the coding strand, the complement: FH is on the minus strand). VCF-style: chr1-241512002-G-A. GRCh37 (hg19) VCF-style: chr1-241675302-G-A.
Other names: short protein forms P174S.
Identifiers: ClinVar variation 3625669 (VCV003625669.2).
Genomic context (GRCh38, chr1:241,512,002, plus strand): 5'-AAAACAGCAAAGCTCACATACTGACCTGGCTTTTATTAACATGATCGTTGGGATGCACAG[G>A]TATCTTGCTGCCAAGTTCACCTCCTAACATTTCAATTGCTCTATTGCTAATGACTTCATT-3'
Protein context (NP_000134.2, residues 164-184): MLGGELGSKI[Pro174Ser]VHPNDHVNKS

ClinVar aggregate classification (germline): Uncertain significance (1 of 4 stars; one submission).

Submission:

Labcorp Genetics (formerly Invitae), Labcorp
Classification: Uncertain significance. Last evaluated: 2024-08-22. Review status: criteria provided, single submitter. Criteria: Invitae Variant Classification Sherloc (09022015). Collection method: clinical testing. Allele origin: germline.
Comment: This sequence change replaces proline, which is neutral and non-polar, with serine, which is neutral and polar, at codon 174 of the FH protein (p.Pro174Ser). This variant is not present in population databases (gnomAD no frequency). This variant has not been reported in the literature in individuals affected with FH-related conditions. Invitae Evidence Modeling of protein sequence and biophysical properties (such as structural, functional, and spatial information, amino acid conservation, physicochemical variation, residue mobility, and thermodynamic stability) has been performed for this missense variant. However, the output from this modeling did not meet the statistical confidence thresholds required to predict the impact of this variant on FH protein function. This variant disrupts the p.Pro174 amino acid residue in FH. Other variant(s) that disrupt this residue have been determined to be pathogenic (PMID: 12761039, 16575891, 22069215). This suggests that this residue is clinically significant, and that variants that disrupt this residue are likely to be disease-causing. In summary, the available evidence is currently insufficient to determine the role of this variant in disease. Therefore, it has been classified as a Variant of Uncertain Significance.

Literature cited by the submitters: PubMed 12761039; PubMed 16575891; PubMed 22069215.